The following is an entry in ClinVar:

NM_000052.7(ATP7A):c.2108G>A (p.Arg703His)

Gene: ATP7A (ATPase copper transporting alpha; plus strand). Cytogenetic location: Xq21.1.
Variant type: single nucleotide variant.
Coding change: c.2108G>A on transcript NM_000052.7 (MANE Select); coding-DNA position 2108, G replaced by A.
Protein change: p.Arg703His; replaces arginine 703 with histidine.
Molecular consequence: missense variant.
Genome position (GRCh38, 1-based): chrX:78,011,610, G>A. VCF-style: chrX-78011610-G-A. GRCh37 (hg19) VCF-style: chrX-77267107-G-A.
Other names: p.Arg703His; c.2108G>A, p.Arg703His (NM_001282224.2); c.2108G>A (NM_000052.4); short protein forms R703H.
Identifiers: ClinVar variation 966195 (VCV000966195.11), dbSNP rs2234936, ClinGen allele CA10459196.

ClinVar aggregate classification (germline): Conflicting classifications of pathogenicity. Review status: criteria provided, conflicting classifications (1 of 4 stars). 4 submissions from 4 submitters: Uncertain significance (2); Likely benign (1). 1 of the submissions does not count toward it. Last evaluated 2025-01-06.

Conditions:
Inborn genetic diseases. Identifiers: MedGen C0950123, MeSH D030342.
Menkes kinky-hair syndrome (MNK). Also called: Menkes Disease; Copper transport disease; Classic Menkes Disease. Identifiers: Orphanet 565, MedGen C0022716, MONDO:0010651, OMIM 309400.
Cutis laxa, X-linked (OHS). Also called: EDS IX; Occipital horn syndrome. Identifiers: Orphanet 198, MedGen C0268353, MONDO:0010572, OMIM 304150.
X-linked distal spinal muscular atrophy type 3. Also called: ATP7A-Related Distal Motor Neuropathy; NEURONOPATHY, DISTAL HEREDITARY MOTOR, X-LINKED; NEUROPATHY, DISTAL HEREDITARY MOTOR, X-LINKED; SPINAL MUSCULAR ATROPHY, DISTAL, X-LINKED RECESSIVE. Identifiers: Orphanet 139557, MedGen C1845359, MONDO:0010338, OMIM 300489.

Allele frequency attached by ClinVar (database versions not stated): gnomAD exomes 0.00001 and 0.00003; TOPMed 0.00001; ExAC 0.00001; gnomAD 0.00001.
gnomAD v4.1: 37 of 1,209,005 alleles (0.0031%); highest among the groups gnomAD compares: South Asian, 0.0053%; no homozygotes.

Submissions (4):

Labcorp Genetics (formerly Invitae), Labcorp
Classification: Likely benign for X-linked distal spinal muscular atrophy type 3; Cutis laxa, X-linked; Menkes kinky-hair syndrome. Last evaluated: 2025-01-06. Review status: criteria provided, single submitter. Criteria: Invitae Variant Classification Sherloc (09022015). Collection method: clinical testing. Allele origin: germline.

Mayo Clinic Laboratories, Mayo Clinic
Classification: Uncertain significance. Last evaluated: 2024-02-16. Review status: criteria provided, single submitter. Criteria: ACMG Guidelines, 2015. Collection method: clinical testing. Allele origin: germline. Observed: 1 variant allele.
Comment: BP4, PM2

Ambry Genetics
Classification: Uncertain significance for Inborn genetic diseases. Last evaluated: 2021-06-16. Review status: criteria provided, single submitter. Criteria: Ambry Variant Classification Scheme 2023. Collection method: clinical testing. Allele origin: germline.
Comment: The p.R703H variant (also known as c.2108G>A), located in coding exon 8 of the ATP7A gene, results from a G to A substitution at nucleotide position 2108. The arginine at codon 703 is replaced by histidine, an amino acid with highly similar properties. Based on data from gnomAD, the A allele has an overall frequency of 0.0005454% (1/183358) total alleles studied, with 0 hemizygote(s) observed. The highest observed frequency was 0.001222% (1/81829) of European (non-Finnish) alleles. This amino acid position is not well conserved in available vertebrate species, and histidine is the reference amino acid in other vertebrate species. In addition, this alteration is predicted to be tolerated by in silico analysis. Since supporting evidence is limited at this time, the clinical significance of this alteration remains unclear.

Natera, Inc.
Classification: Uncertain significance for Menkes kinky hair syndrome. Last evaluated: 2020-01-29. Review status: no assertion criteria provided. Collection method: clinical testing. Allele origin: germline. Not counted in ClinVar's aggregate classification.